The following is an entry in ClinVar:

NM_001174089.2(SLC4A11):c.430G>A (p.Ala144Thr)

Gene: SLC4A11 (solute carrier family 4 member 11; minus strand). Cytogenetic location: 20p13.
Variant type: single nucleotide variant.
Coding change: c.430G>A on transcript NM_001174089.2 (MANE Select); coding-DNA position 430, G replaced by A.
Protein change: p.Ala144Thr; replaces alanine 144 with threonine.
Molecular consequence: missense variant. On other transcripts: non-coding transcript variant (1).
Genome position (GRCh38, 1-based): chr20:3,234,176, C>T on the plus strand (G>A on the coding strand, the complement: SLC4A11 is on the minus strand). VCF-style: chr20-3234176-C-T. GRCh37 (hg19) VCF-style: chr20-3214822-C-T.
Other names: c.559G>A, p.Ala187Thr (NM_001174090.2); c.430G>A, p.Ala144Thr (NM_001363745.2); c.478G>A, p.Ala160Thr (NM_032034.4); short protein forms A144T, A160T, A187T.
Identifiers: ClinVar variation 225475 (VCV000225475.3), dbSNP rs752287261, ClinGen allele CA9742292.

ClinVar aggregate classification (germline): Uncertain significance. Review status: criteria provided, multiple submitters, no conflicts (2 of 4 stars). 3 submissions from 3 submitters: Uncertain significance (3). Last evaluated 2023-04-13.

Conditions:
Congenital hereditary endothelial dystrophy of cornea. Also called: CORNEAL DYSTROPHY, CONGENITAL HEREDITARY ENDOTHELIAL; Congenital hereditary endothelial dystrophy of the cornea; Maumenee corneal dystrophy; Congenital hereditary endothelial dystrophy type II; Corneal endothelial dystrophy, autosomal recessive. Identifiers: Orphanet 293603, MedGen C1857569, MONDO:0009019, OMIM 217700.

Allele frequency attached by ClinVar (database versions not stated): gnomAD exomes 0.00005; TOPMed 0.00002; ExAC 0.00003; gnomAD 0.00005.

Submissions (3):

Women's Health and Genetics/Laboratory Corporation of America, LabCorp
Classification: Uncertain significance. Last evaluated: 2023-04-13. Review status: criteria provided, single submitter. Criteria: LabCorp Variant Classification Summary - May 2015. Collection method: clinical testing. Allele origin: germline.
Comment: Variant summary: SLC4A11 c.478G>A (p.Ala160Thr) results in a non-conservative amino acid change in the encoded protein sequence. Four of five in-silico tools predict a benign effect of the variant on protein function. The variant allele was found at a frequency of 4.8e-05 in 251298 control chromosomes. This frequency is not significantly higher than estimated for a pathogenic variant in SLC4A11 causing Corneal Dystrophy And Perceptive Deafness (4.8e-05 vs 0.0011), allowing no conclusion about variant significance. c.478G>A has been reported in the literature in at least one homozygous individual affected with endothelial dystrophy (e.g., Hemadevi_2008), however, the variant has also been reported in a homozygous unaffected individual (e.g., Jiao_2007). At least one publication reports experimental evidence evaluating an impact on protein function, finding that the variant leads to a ~30% reduction in expression of the mature protein and ~15% reduction in localization to the cell surface (e.g., Alka_2018). Two ClinVar submitters (evaluation after 2014) have cited the variant, and both laboratories classified the variant as uncertain significance. Based on the evidence outlined above, the variant was classified as uncertain significance.

Labcorp Genetics (formerly Invitae), Labcorp
Classification: Uncertain significance. Last evaluated: 2022-03-02. Review status: criteria provided, single submitter. Criteria: Invitae Variant Classification Sherloc (09022015). Collection method: clinical testing. Allele origin: germline.
Comment: This sequence change replaces alanine, which is neutral and non-polar, with threonine, which is neutral and polar, at codon 160 of the SLC4A11 protein (p.Ala160Thr). This variant is present in population databases (rs752287261, gnomAD 0.02%). This missense change has been observed in individuals with corneal dystrophy (PMID: 16825429, 18474783). ClinVar contains an entry for this variant (Variation ID: 225475). Algorithms developed to predict the effect of missense changes on protein structure and function output the following: SIFT: "Deleterious"; PolyPhen-2: "Benign"; Align-GVGD: "Class C0". The threonine amino acid residue is found in multiple mammalian species, which suggests that this missense change does not adversely affect protein function. In summary, the available evidence is currently insufficient to determine the role of this variant in disease. Therefore, it has been classified as a Variant of Uncertain Significance.

Soonchunhyang University Bucheon Hospital, Soonchunhyang University Medical Center
Classification: Uncertain significance for Congenital hereditary endothelial dystrophy of cornea. Last evaluated: 2016-03-18. Review status: criteria provided, single submitter. Criteria: ACMG Guidelines, 2015. Collection method: reference population. Allele origin: germline. Observed: 1 variant allele.

Literature cited by the submitters: PubMed 29327391 (cited by Women's Health and Genetics/Laboratory Corporation of America, LabCorp); PubMed 18474783 (cited by 3 submitters); PubMed 16825429 (cited by Women's Health and Genetics/Laboratory Corporation of America, LabCorp and Labcorp Genetics (formerly Invitae), Labcorp).